The following is an entry in ClinVar:

ClinVar aggregate classification (germline): Uncertain significance. Review status: criteria provided, multiple submitters, no conflicts (2 of 4 stars). 2 submissions from 2 submitters: Uncertain significance (2). Last evaluated 2026-01-01.

Conditions:
Intellectual developmental disorder with speech delay, dysmorphic facies, and t-cell abnormalities. Also called: BCL11B-related BAFopathy. Identifiers: Orphanet 662829, MedGen C4748152, MONDO:0060763, OMIM 618092.

Allele frequency attached by ClinVar (database versions not stated): gnomAD exomes 0.00004 and 0.00013; gnomAD 0.00005; TOPMed 0.00006; ExAC 0.00009; ESP Exome Variant Server 0.00017.
gnomAD v4.1: 194 of 1,567,814 alleles (0.012%); highest among the groups gnomAD compares: Non-Finnish European, 0.016%; no homozygotes.

Submissions (2):

Labcorp Genetics (formerly Invitae), Labcorp
Classification: Uncertain significance. Last evaluated: 2026-01-01. Review status: criteria provided, single submitter. Criteria: Invitae Variant Classification Sherloc (09022015). Collection method: clinical testing. Allele origin: germline.
Comment: This sequence change replaces arginine, which is basic and polar, with cysteine, which is neutral and slightly polar, at codon 620 of the BCL11B protein (p.Arg620Cys). This variant is present in population databases (rs200835381, gnomAD 0.01%). This variant has not been reported in the literature in individuals affected with BCL11B-related conditions. ClinVar contains an entry for this variant (Variation ID: 978104). Invitae Evidence Modeling of protein sequence and biophysical properties (such as structural, functional, and spatial information, amino acid conservation, physicochemical variation, residue mobility, and thermodynamic stability) indicates that this missense variant is not expected to disrupt BCL11B protein function with a negative predictive value of 95%. In summary, the available evidence is currently insufficient to determine the role of this variant in disease. Therefore, it has been classified as a Variant of Uncertain Significance.

New York Genome Center
Classification: Uncertain significance for Intellectual developmental disorder with speech delay, dysmorphic facies, and t-cell abnormalities. Last evaluated: 2020-01-21. Review status: criteria provided, single submitter. Criteria: NYGC Assertion Criteria 2020. Collection method: clinical testing. Allele origin: germline. Observed: 1 heterozygote. Study: CSER-NYCKidSeq.

NM_138576.4(BCL11B):c.1858C>T (p.Arg620Cys)

Gene: BCL11B (BCL11 transcription factor B; minus strand). Cytogenetic location: 14q32.2.
Variant type: single nucleotide variant.
Coding change: c.1858C>T on transcript NM_138576.4 (MANE Select); coding-DNA position 1858, C replaced by T.
Protein change: p.Arg620Cys; replaces arginine 620 with cysteine.
Molecular consequence: missense variant.
Genome position (GRCh38, 1-based): chr14:99,174,978, G>A on the plus strand (C>T on the coding strand, the complement: BCL11B is on the minus strand). VCF-style: chr14-99174978-G-A. GRCh37 (hg19) VCF-style: chr14-99641315-G-A.
Other names: c.1855C>T, p.Arg619Cys (NM_001282237.2); c.1642C>T, p.Arg548Cys (NM_001282238.2); c.1645C>T, p.Arg549Cys (NM_022898.3); short protein forms R548C, R549C, R619C, R620C.
Identifiers: ClinVar variation 978104 (VCV000978104.8), dbSNP rs200835381, ClinGen allele CA7339589.